The following is an entry in ClinVar:

ClinVar aggregate classification (germline): Uncertain significance. Review status: criteria provided, multiple submitters, no conflicts (2 of 4 stars). 5 submissions from 5 submitters: Uncertain significance (5). Last evaluated 2025-10-15.

Conditions:
Drash syndrome (DDS). Also called: WILMS TUMOR AND PSEUDO- OR TRUE HERMAPHRODITISM; NEPHROPATHY, WILMS TUMOR, AND GENITAL ANOMALIES. Identifiers: Orphanet 220, MedGen C0950121, MONDO:0008682, OMIM 194080.
Frasier syndrome. Identifiers: Orphanet 347, MedGen C0950122, MeSH D052159, MONDO:0007635, OMIM 136680.
Wilms tumor 1 (WT1). Also called: Wilms tumor, somatic. Identifiers: Orphanet 654, MedGen CN033288, MONDO:0008679, OMIM 194070.
11p partial monosomy syndrome (WAGR). Also called: CHROMOSOME 11p13 DELETION SYNDROME; WAGR syndrome; WAGR Complex; WAGR Spectrum Disorder. Identifiers: Orphanet 893, MedGen C0206115, MONDO:0008681, OMIM 194072.
Inborn genetic diseases. Identifiers: MedGen C0950123, MeSH D030342.

Allele frequency attached by ClinVar (database versions not stated): TOPMed below 0.00001; gnomAD 0.00001.
gnomAD v4.1: 1 of 1,614,114 alleles (0.000062%); highest among the groups gnomAD compares: Non-Finnish European, 0.000085%; no homozygotes.

Submissions (5):

Ambry Genetics
Classification: Uncertain significance for Inborn genetic diseases. Last evaluated: 2025-10-15. Review status: criteria provided, single submitter. Criteria: Ambry Variant Classification Scheme 2023. Collection method: clinical testing. Allele origin: germline.
Comment: The p.A352P variant (also known as c.1054G>C), located in coding exon 6 of the WT1 gene, results from a G to C substitution at nucleotide position 1054. The alanine at codon 352 is replaced by proline, an amino acid with highly similar properties. This amino acid position is well conserved in available vertebrate species. In addition, the in silico prediction for this alteration is inconclusive. Based on the available evidence, the clinical significance of this variant remains unclear.

GeneDx
Classification: Uncertain significance. Last evaluated: 2024-11-11. Review status: criteria provided, single submitter. Criteria: GeneDx Variant Classification Process June 2021. Collection method: clinical testing. Allele origin: germline. Affected: yes.
Comment: In silico analysis supports that this missense variant has a deleterious effect on protein structure/function; Has not been previously published as pathogenic or benign to our knowledge

All of Us Research Program, National Institutes of Health
Classification: Uncertain significance for Wilms tumor 1. Last evaluated: 2024-07-20. Review status: criteria provided, single submitter. Criteria: ACMG Guidelines, 2015. Collection method: clinical testing. Allele origin: germline. Inheritance: Autosomal dominant inheritance. Observed: 1 variant allele, 1 heterozygote.
Comment: This missense variant replaces alanine with proline at codon 352 of the WT1 protein. Computational prediction is inconclusive regarding the impact of this variant on protein structure and function. To our knowledge, functional studies have not been reported for this variant. This variant has not been reported in individuals affected with WT1-related disorders in the literature. This variant has been identified in 2/31400 chromosomes in the general population by the Genome Aggregation Database (gnomAD). The available evidence is insufficient to determine the role of this variant in disease conclusively. Therefore, this variant is classified as a Variant of Uncertain Significance.

This study involves interpretation of variants in research participants for the purpose of population health screening. Participant phenotype was not available at the time of variant classification. Additional details can be found in publication PMID: 35346344, PMCID: PMC8962531

Labcorp Genetics (formerly Invitae), Labcorp
Classification: Uncertain significance for Wilms tumor 1; Drash syndrome; 11p partial monosomy syndrome; Frasier syndrome. Last evaluated: 2024-07-01. Review status: criteria provided, single submitter. Criteria: Invitae Variant Classification Sherloc (09022015). Collection method: clinical testing. Allele origin: germline.
Comment: This sequence change replaces alanine, which is neutral and non-polar, with proline, which is neutral and non-polar, at codon 352 of the WT1 protein (p.Ala352Pro). This variant is present in population databases (no rsID available, gnomAD 0.01%). This variant has not been reported in the literature in individuals affected with WT1-related conditions. ClinVar contains an entry for this variant (Variation ID: 1428489). An algorithm developed to predict the effect of missense changes on protein structure and function (PolyPhen-2) suggests that this variant is likely to be disruptive. In summary, the available evidence is currently insufficient to determine the role of this variant in disease. Therefore, it has been classified as a Variant of Uncertain Significance.

Baylor Genetics
Classification: Uncertain significance for Drash syndrome. Last evaluated: 2024-02-02. Review status: criteria provided, single submitter. Criteria: ACMG Guidelines, 2015. Collection method: clinical testing. Allele origin: unknown.

NM_024426.6(WT1):c.1069G>C (p.Ala357Pro)

Gene: WT1 (WT1 transcription factor; minus strand). Cytogenetic location: 11p13.
Variant type: single nucleotide variant.
Coding change: c.1069G>C on transcript NM_024426.6 (MANE Select); coding-DNA position 1069, G replaced by C.
Protein change: p.Ala357Pro; replaces alanine 357 with proline.
Molecular consequence: missense variant. On other transcripts: 5 prime UTR variant (1), non-coding transcript variant (1).
Genome position (GRCh38, 1-based): chr11:32,399,992, C>G on the plus strand (G>C on the coding strand, the complement: WT1 is on the minus strand). VCF-style: chr11-32399992-C-G. GRCh37 (hg19) VCF-style: chr11-32421538-C-G.
Other names: c.1054G>C (NM_024426.4); c.1018G>C, p.Ala340Pro (NM_000378.6, NM_001407045.1, NM_001407048.1 and 1 more transcripts); c.418G>C, p.Ala140Pro (NM_001198551.2); c.367G>C, p.Ala123Pro (NM_001198552.2); c.-120G>C (NM_001367854.1); c.1063G>C, p.Ala355Pro (NM_001407044.1); c.1069G>C, p.Ala357Pro (NM_001407046.1, NM_024424.5); c.946G>C, p.Ala316Pro (NM_001407047.1); and 3 more; short protein forms A123P, A340P, A140P, A357P, A103P, A352P, A299P, A316P.
Identifiers: ClinVar variation 1428489 (VCV001428489.13), dbSNP rs1362066206, ClinGen allele CA379960386.
Genomic context (GRCh38, chr11:32,399,992, plus strand): 5'-CTGTCTGTGTGCTCACCTGAATGCCTCTGAAGACACCGTGCGTGTGTATTCTGTATTGGG[C>G]TCCGCAGAGGATGGGCGTTGTGTGGTTATCGCTCTCGTACCCTGTGCTGTGGCTGCAAAC-3'
Protein context (NP_077744.4, residues 347-367): DNHTTPILCG[Ala357Pro]QYRIHTHGVF